The following is an entry in ClinVar:

NM_000080.4(CHRNE):c.1371del (p.Cys458fs)

Gene: CHRNE (cholinergic receptor nicotinic epsilon subunit; minus strand). Cytogenetic location: 17p13.2.
Variant type: Deletion.
Coding change: c.1371del on transcript NM_000080.4 (MANE Select); coding-DNA position 1371, one base deleted (C; older notation c.1371delC).
Protein change: p.Cys458fs; shifts the reading frame from cysteine 458.
Molecular consequence: frameshift variant.
Genome position (GRCh38, 1-based): chr17:4,898,847, G deleted on the plus strand (C on the coding strand, the reverse complement: CHRNE is on the minus strand). VCF-style (leftmost placement, unchanged base first): chr17-4898846-AG-A. GRCh37 (hg19) VCF-style: chr17-4802141-AG-A.
Other names: c.1371delC (NM_000080.3); short protein forms C458fs.
Identifiers: ClinVar variation 644142 (VCV000644142.14), dbSNP rs1597612665, ClinGen allele CA16621917.

ClinVar aggregate classification (germline): Pathogenic/Likely pathogenic. Review status: criteria provided, multiple submitters, no conflicts (2 of 4 stars). 4 submissions from 4 submitters: Pathogenic (2); Likely pathogenic (2). Last evaluated 2026-03-27.

Conditions:
Congenital myasthenic syndrome (CMS). Also called: Congenital Myasthenic Syndromes. Identifiers: Orphanet 590, MedGen C0751882, MeSH D020294, MONDO:0018940.
Congenital myasthenic syndrome 4A. Also called: Myasthenic syndrome, congenital, 4a, slow-channel; CONGENITAL MYASTHENIC SYNDROME TYPE Ia1; MYASTHENIC SYNDROME, CONGENITAL, 4A, SLOW-CHANNEL, AUTOSOMAL RECESSIVE. Identifiers: Orphanet 590, MedGen C4225413, MONDO:0011600, OMIM 605809.

Allele frequency attached by ClinVar (database versions not stated): gnomAD exomes below 0.00001.

Submissions (4):

Myriad Genetics, Inc.
Classification: Pathogenic for Congenital myasthenic syndrome. Last evaluated: 2026-03-27. Review status: criteria provided, single submitter. Criteria: Myriad Autosomal Dominant, Autosomal Recessive and X-Linked Classification Criteria (2023). Collection method: clinical testing. Allele origin: unknown.
Comment: NM_000080.3(CHRNE):c.1371delC(C458Afs*49) is a readthrough frameshift variant classified as pathogenic in the context of congenital myasthenic syndrome, CHRNE-related. C458Afs*49 has been observed in cases with relevant disease (PMID: 37721175). Relevant functional assessments of this variant are not available in the literature. C458Afs*49 has not been observed in referenced population frequency databases. In summary, NM_000080.3(CHRNE):c.1371delC(C458Afs*49) is a readthrough frameshift variant in a gene where loss of function is a known mechanism of disease, is predicted to disrupt protein function, and has been observed more frequently in cases with the relevant disease than in healthy populations. Please note: this variant was assessed in the context of healthy population screening.

Baylor Genetics
Classification: Likely pathogenic for Congenital myasthenic syndrome 4A. Last evaluated: 2023-01-10. Review status: criteria provided, single submitter. Criteria: ACMG Guidelines, 2015. Collection method: clinical testing. Allele origin: unknown.

Labcorp Genetics (formerly Invitae), Labcorp
Classification: Pathogenic for Congenital myasthenic syndrome 4A. Last evaluated: 2021-04-18. Review status: criteria provided, single submitter. Criteria: Invitae Variant Classification Sherloc (09022015). Collection method: clinical testing. Allele origin: germline.
Comment: For these reasons, this variant has been classified as Pathogenic. This variant disrupts the C-terminus of the CHRNE protein. Other variant(s) that disrupt this region (p.Trp460*) have been determined to be pathogenic (Invitae). This suggests that variants that disrupt this region of the protein are likely to be causative of disease. This variant has not been reported in the literature in individuals with CHRNE-related conditions. ClinVar contains an entry for this variant (Variation ID: 644142). This variant is not present in population databases (ExAC no frequency). This sequence change results in a frameshift in the CHRNE gene (p.Cys458Alafs*49). While this is not anticipated to result in nonsense mediated decay, it is expected to disrupt the last 36 amino acid(s) of the CHRNE protein and extend the protein by 12 additional amino acid residues.

Revvity Omics, Revvity
Classification: Likely pathogenic. Last evaluated: 2019-08-22. Review status: criteria provided, single submitter. Criteria: ACMG Guidelines, 2015. Collection method: clinical testing. Allele origin: germline.

Literature cited by the submitters: PubMed 37721175 (cited by Myriad Genetics, Inc.).